The following is an entry in ClinVar:

NM_032656.4(DHX37):c.2665C>T (p.Arg889Trp)

Gene: DHX37 (DEAH-box helicase 37; minus strand). Cytogenetic location: 12q24.31.
Variant type: single nucleotide variant.
Coding change: c.2665C>T on transcript NM_032656.4 (MANE Select); coding-DNA position 2665, C replaced by T.
Protein change: p.Arg889Trp; replaces arginine 889 with tryptophan.
Molecular consequence: missense variant.
Genome position (GRCh38, 1-based): chr12:124,953,910, G>A on the plus strand (C>T on the coding strand, the complement: DHX37 is on the minus strand). VCF-style: chr12-124953910-G-A. GRCh37 (hg19) VCF-style: chr12-125438456-G-A.
Other names: short protein forms R889W.
Identifiers: ClinVar variation 4240334 (VCV004240334.2).

ClinVar aggregate classification (germline): Uncertain significance. Review status: criteria provided, multiple submitters, no conflicts (2 of 4 stars). 2 submissions from 2 submitters: Uncertain significance (2). Last evaluated 2025-08-06.

Conditions:
Inborn genetic diseases. Identifiers: MedGen C0950123, MeSH D030342.

gnomAD v4.1: 16 of 1,612,128 alleles (0.00099%); highest among the groups gnomAD compares: Middle Eastern, 0.017%; no homozygotes.

Submissions (2):

Ambry Genetics
Classification: Uncertain significance for Inborn genetic diseases. Last evaluated: 2025-08-06. Review status: criteria provided, single submitter. Criteria: Ambry Variant Classification Scheme 2023. Collection method: clinical testing. Allele origin: germline.

Labcorp Genetics (formerly Invitae), Labcorp
Classification: Uncertain significance. Last evaluated: 2025-06-17. Review status: criteria provided, single submitter. Criteria: Invitae Variant Classification Sherloc (09022015). Collection method: clinical testing. Allele origin: germline.
Comment: This sequence change replaces arginine, which is basic and polar, with tryptophan, which is neutral and slightly polar, at codon 889 of the DHX37 protein (p.Arg889Trp). This variant is present in population databases (rs747925656, gnomAD 0.007%). This variant has not been reported in the literature in individuals affected with DHX37-related conditions. Invitae Evidence Modeling of protein sequence and biophysical properties (such as structural, functional, and spatial information, amino acid conservation, physicochemical variation, residue mobility, and thermodynamic stability) indicates that this missense variant is expected to disrupt DHX37 protein function with a positive predictive value of 80%. In summary, the available evidence is currently insufficient to determine the role of this variant in disease. Therefore, it has been classified as a Variant of Uncertain Significance.